The following is an entry in ClinVar:

ClinVar aggregate classification (germline): Likely benign (0 of 4 stars; one submission).

Conditions:
DZIP1L-related disorder. Also called: DZIP1L-related condition.

Allele frequency attached by ClinVar (database versions not stated): ExAC 0.00001.
gnomAD v4.1: 3 of 1,606,608 alleles (0.00019%); highest among the groups gnomAD compares: South Asian, 0.0033%; no homozygotes.

Submission:

PreventionGenetics, part of Exact Sciences
Classification: Likely benign for DZIP1L-related condition. Last evaluated: 2019-04-05. Review status: no assertion criteria provided. Collection method: clinical testing. Allele origin: germline.
Comment: This variant is classified as likely benign based on ACMG/AMP sequence variant interpretation guidelines (Richards et al. 2015 PMID: 25741868, with internal and published modifications).

NM_173543.3(DZIP1L):c.345G>A (p.Leu115=)

Gene: DZIP1L (DAZ interacting zinc finger protein 1 like; minus strand). Cytogenetic location: 3q22.3.
Variant type: single nucleotide variant.
Coding change: c.345G>A on transcript NM_173543.3 (MANE Select); coding-DNA position 345, G replaced by A.
Protein change: p.Leu115=; no amino-acid change (leucine 115 retained).
Molecular consequence: synonymous variant.
Genome position (GRCh38, 1-based): chr3:138,103,627, C>T on the plus strand (G>A on the coding strand, the complement: DZIP1L is on the minus strand). VCF-style: chr3-138103627-C-T. GRCh37 (hg19) VCF-style: chr3-137822469-C-T.
Other names: c.345G>A, p.Leu115= (NM_001170538.1).
Identifiers: ClinVar variation 3058098 (VCV003058098.2), dbSNP rs771046905, ClinGen allele CA2635312.